The following is an entry in ClinVar:

NM_004320.6(ATP2A1):c.2932A>G (p.Ile978Val)

Gene: ATP2A1 (ATPase sarcoplasmic/endoplasmic reticulum Ca2+ transporting 1; plus strand). Cytogenetic location: 16p11.2.
Variant type: single nucleotide variant.
Coding change: c.2932A>G on transcript NM_004320.6 (MANE Select); coding-DNA position 2932, A replaced by G.
Protein change: p.Ile978Val; replaces isoleucine 978 with valine.
Molecular consequence: missense variant.
Genome position (GRCh38, 1-based): chr16:28,903,392, A>G. VCF-style: chr16-28903392-A-G. GRCh37 (hg19) VCF-style: chr16-28914713-A-G.
Other names: c.2557A>G, p.Ile853Val (NM_001286075.2); c.2932A>G, p.Ile978Val (NM_173201.5); short protein forms I978V, I853V.
Identifiers: ClinVar variation 944561 (VCV000944561.8), dbSNP rs768415562, ClinGen allele CA7987451.
Genomic context (GRCh38, chr16:28,903,392, plus strand): 5'-AAGCTCCGGGCCCTGGACCTCACCCAGTGGCTCATGGTCCTCAAGATCTCACTGCCAGTC[A>G]TTGGGCTCGACGAAATCCTCAAGTTCGTTGCTCGGAACTACCTAGAGGGTAAGGAGTGCC-3'
Protein context (NP_004311.1, residues 968-988): LMVLKISLPV[Ile978Val]GLDEILKFVA

ClinVar aggregate classification (germline): Uncertain significance. Review status: criteria provided, multiple submitters, no conflicts (2 of 4 stars). 2 submissions from 2 submitters: Uncertain significance (2). Last evaluated 2023-10-05.

Conditions:
Brody myopathy. Also called: BRODY DISEASE. Identifiers: Orphanet 53347, MedGen C1832918, MONDO:0010977, OMIM 601003.

Allele frequency attached by ClinVar (database versions not stated): gnomAD 0.00001 and 0.00002; gnomAD exomes 0.00001 and 0.00004; TOPMed 0.00004; ExAC 0.00005.
gnomAD v4.1: 19 of 1,613,812 alleles (0.0012%); highest among the groups gnomAD compares: Admixed American, 0.023%; 1 homozygote.

Submissions (2):

Women's Health and Genetics/Laboratory Corporation of America, LabCorp
Classification: Uncertain significance. Last evaluated: 2023-10-05. Review status: criteria provided, single submitter. Criteria: LabCorp Variant Classification Summary - May 2015. Collection method: clinical testing. Allele origin: germline.
Comment: Variant summary: ATP2A1 c.2932A>G (p.Ile978Val) results in a conservative amino acid change located in the Cation-transporting P-type ATPase, C-terminal (IPR006068) of the encoded protein sequence. Three of five in-silico tools predict a benign effect of the variant on protein function. The variant allele was found at a frequency of 4e-05 in 251458 control chromosomes. To our knowledge, no occurrence of c.2932A>G in individuals affected with Brody Myopathy and no experimental evidence demonstrating its impact on protein function have been reported. One submitter has cited clinical-significance assessments for this variant to ClinVar after 2014 and has classified the variant as uncertain significance. Based on the evidence outlined above, the variant was classified as uncertain significance.

Labcorp Genetics (formerly Invitae), Labcorp
Classification: Uncertain significance for Brody myopathy. Last evaluated: 2022-09-20. Review status: criteria provided, single submitter. Criteria: Invitae Variant Classification Sherloc (09022015). Collection method: clinical testing. Allele origin: germline.
Comment: This sequence change replaces isoleucine, which is neutral and non-polar, with valine, which is neutral and non-polar, at codon 978 of the ATP2A1 protein (p.Ile978Val). This variant is present in population databases (rs768415562, gnomAD 0.03%), including at least one homozygous and/or hemizygous individual. This variant has not been reported in the literature in individuals affected with ATP2A1-related conditions. ClinVar contains an entry for this variant (Variation ID: 944561). Algorithms developed to predict the effect of missense changes on protein structure and function are either unavailable or do not agree on the potential impact of this missense change (SIFT: "Tolerated"; PolyPhen-2: "Probably Damaging"; Align-GVGD: "Class C0"). In summary, the available evidence is currently insufficient to determine the role of this variant in disease. Therefore, it has been classified as a Variant of Uncertain Significance.